The following is an entry in ClinVar:

NM_018192.4(P3H2):c.385G>C (p.Gly129Arg)

Gene: P3H2 (prolyl 3-hydroxylase 2; minus strand). Cytogenetic location: 3q28.
Variant type: single nucleotide variant.
Coding change: c.385G>C on transcript NM_018192.4 (MANE Select); coding-DNA position 385, G replaced by C.
Protein change: p.Gly129Arg; replaces glycine 129 with arginine.
Molecular consequence: missense variant. On other transcripts: intron variant (1).
Genome position (GRCh38, 1-based): chr3:190,120,347, C>G on the plus strand (G>C on the coding strand, the complement: P3H2 is on the minus strand). VCF-style: chr3-190120347-C-G. GRCh37 (hg19) VCF-style: chr3-189838136-C-G.
Other names: c.-64+1856G>C (NM_001134418.2); short protein forms G129R.
Identifiers: ClinVar variation 965132 (VCV000965132.4), dbSNP rs200731219, ClinGen allele CA355859588.
Genomic context (GRCh38, chr3:190,120,347, plus strand): 5'-CTCTGCGCTGGAAGTCGCTGCGCACATCCTCGCTGACGCGGTGGCGGGATGCGGGGCCCC[C>G]GAGGCGCTGGGTCTCACAGCTGCGATAACAGCGCGCCCGCCCCAACAAGGAGCGGAAAAG-3'
Protein context (NP_060662.2, residues 119-139): CYRSCETQRL[Gly129Arg]GPASRHRVSE

ClinVar aggregate classification (germline): Uncertain significance. Review status: criteria provided, multiple submitters, no conflicts (2 of 4 stars). 2 submissions from 2 submitters: Uncertain significance (2). Last evaluated 2023-09-22.

Conditions:
Inborn genetic diseases. Identifiers: MedGen C0950123, MeSH D030342.

Allele frequency attached by ClinVar (database versions not stated): TOPMed 0.00001.
gnomAD v4.1: 26 of 1,582,124 alleles (0.0016%); highest among the groups gnomAD compares: South Asian, 0.0023%; no homozygotes.

Submissions (2):

Ambry Genetics
Classification: Uncertain significance for Inborn genetic diseases. Last evaluated: 2023-09-22. Review status: criteria provided, single submitter. Criteria: Ambry Variant Classification Scheme 2023. Collection method: clinical testing. Allele origin: germline.

Labcorp Genetics (formerly Invitae), Labcorp
Classification: Uncertain significance. Last evaluated: 2021-09-01. Review status: criteria provided, single submitter. Criteria: Invitae Variant Classification Sherloc (09022015). Collection method: clinical testing. Allele origin: germline.
Comment: This sequence change replaces glycine with arginine at codon 129 of the P3H2 protein (p.Gly129Arg). The glycine residue is moderately conserved and there is a moderate physicochemical difference between glycine and arginine. This variant is not present in population databases (ExAC no frequency). This variant has not been reported in the literature in individuals affected with P3H2-related conditions. Algorithms developed to predict the effect of missense changes on protein structure and function are either unavailable or do not agree on the potential impact of this missense change (SIFT: "Deleterious"; PolyPhen-2: "Possibly Damaging"; Align-GVGD: "Class C0"). In summary, the available evidence is currently insufficient to determine the role of this variant in disease. Therefore, it has been classified as a Variant of Uncertain Significance.